The following is an entry in ClinVar:

NM_001270.4(CHD1):c.3575G>A (p.Gly1192Asp)

Gene: CHD1 (chromodomain helicase DNA binding protein 1; minus strand). Cytogenetic location: 5q15.
Variant type: single nucleotide variant.
Coding change: c.3575G>A on transcript NM_001270.4 (MANE Select); coding-DNA position 3575, G replaced by A.
Protein change: p.Gly1192Asp; replaces glycine 1192 with aspartic acid.
Molecular consequence: missense variant. On other transcripts: non-coding transcript variant (2).
Genome position (GRCh38, 1-based): chr5:98,872,552, C>T on the plus strand (G>A on the coding strand, the complement: CHD1 is on the minus strand). VCF-style: chr5-98872552-C-T. GRCh37 (hg19) VCF-style: chr5-98208256-C-T.
Other names: c.3575G>A, p.Gly1192Asp (NM_001364113.3, NM_001376194.2); short protein forms G1192D.
Identifiers: ClinVar variation 2627346 (VCV002627346.1), dbSNP rs1749429558, ClinGen allele CA360523591.

ClinVar aggregate classification (germline): Uncertain significance (1 of 4 stars; one submission).

Allele frequency attached by ClinVar (database versions not stated): gnomAD exomes 0.00001.
gnomAD v4.1: 13 of 1,611,704 alleles (0.00081%); highest among the groups gnomAD compares: Non-Finnish European, 0.00085%; no homozygotes.

Submission:

Women's Health and Genetics/Laboratory Corporation of America, LabCorp
Classification: Uncertain significance. Last evaluated: 2023-09-28. Review status: criteria provided, single submitter. Criteria: LabCorp Variant Classification Summary - May 2015. Collection method: clinical testing. Allele origin: germline.
Comment: Variant summary: CHD1 c.3575G>A (p.Gly1192Asp) results in a non-conservative amino acid change located in the CDH1/2, SANT-Helical linker 1 (IPR040793) of the encoded protein sequence. Three of five in-silico tools predict a damaging effect of the variant on protein function. The variant was absent in 249478 control chromosomes. The available data on variant occurrences in the general population are insufficient to allow any conclusion about variant significance. To our knowledge, no occurrence of c.3575G>A in individuals affected with Pilarowski-Bjornsson Syndrome and no experimental evidence demonstrating its impact on protein function have been reported. No submitters have cited clinical-significance assessments for this variant to ClinVar after 2014. Based on the evidence outlined above, the variant was classified as uncertain significance.